The following is an entry in ClinVar:

NM_001848.3(COL6A1):c.1263dup (p.Gly422fs)

Gene: COL6A1 (collagen type VI alpha 1 chain; plus strand). Cytogenetic location: 21q22.3.
Variant type: Duplication.
Coding change: c.1263dup on transcript NM_001848.3 (MANE Select); coding-DNA position 1263, one base duplicated (C; older notation c.1263dupC).
Protein change: p.Gly422fs; shifts the reading frame from glycine 422.
Molecular consequence: frameshift variant.
Genome position (GRCh38, 1-based): chr21:45,992,389, C duplicated; the last of 5 consecutive C bases (chr21:45,992,385-45,992,389); duplicating any one gives the same sequence. VCF-style (leftmost placement, unchanged base first): chr21-45992384-G-GC. GRCh37 (hg19) VCF-style: chr21-47412298-G-GC.
Other names: c.1263dupC (NM_001848.2); short protein forms G422fs.
Identifiers: ClinVar variation 2637115 (VCV002637115.1), dbSNP rs2526328903, ClinGen allele CA2654957618.

ClinVar aggregate classification (germline): Likely pathogenic (1 of 4 stars; one submission).

Conditions:
COL6A1-related disorder. Also called: COL6A1-related condition.

Submission:

PreventionGenetics, part of Exact Sciences
Classification: Likely pathogenic for COL6A1-related condition. Last evaluated: 2022-10-26. Review status: criteria provided, single submitter. Criteria: ACMG Guidelines, 2015. Collection method: clinical testing. Allele origin: germline.
Comment: The COL6A1 c.1263dupC variant is predicted to result in a frameshift and premature protein termination (p.Gly422Argfs*26). To our knowledge, this variant has not been reported in the literature or in a large population database, indicating this variant is rare. Frameshift variants in COL6A1 are expected to be pathogenic. This variant is interpreted as likely pathogenic.